The following is an entry in ClinVar:

NM_007294.4(BRCA1):c.442-3T>G

Gene: BRCA1 (BRCA1 DNA repair associated; minus strand). Cytogenetic location: 17q21.31.
Variant type: single nucleotide variant.
Coding change: c.442-3T>G on transcript NM_007294.4 (MANE Select); 3 bases into the intron before coding-DNA position 442, T replaced by G.
Molecular consequence: intron variant.
Genome position (GRCh38, 1-based): chr17:43,099,883, A>C on the plus strand (T>G on the coding strand, the complement: BRCA1 is on the minus strand). VCF-style: chr17-43099883-A-C. GRCh37 (hg19) VCF-style: chr17-41251900-A-C.
Other names: c.364-6T>G (NM_001408475.1, NM_001407875.1, NM_001407659.1 and 6 more transcripts); c.301-3T>G (NM_001408458.1, NM_001407922.1, NM_001408469.1 and 61 more transcripts); c.-218-5023T>G (NM_001407967.1, NM_001407966.1); c.61-3T>G (NM_001407959.1, NM_001408512.1, NM_001408510.1 and 3 more transcripts); c.301-6T>G (NM_001407931.1, NM_001407747.1, NM_001408470.1 and 35 more transcripts); c.364-3T>G (NM_001408412.1, NM_001407656.1, NM_001407657.1 and 12 more transcripts); c.61-6T>G (NM_001407962.1); c.232-6T>G (NM_001408509.1, NM_001408508.1, NM_001408491.1 and 18 more transcripts); and 5 more.
Identifiers: ClinVar variation 485396 (VCV000485396.20), dbSNP rs8176139, ClinGen allele CA290814391.

ClinVar aggregate classification (germline): Uncertain significance. Review status: criteria provided, multiple submitters, no conflicts (2 of 4 stars). 6 submissions from 6 submitters: Uncertain significance (6). Last evaluated 2024-01-10.

Conditions:
Hereditary breast ovarian cancer syndrome. Also called: Breast and ovarian cancer; Hereditary breast and/or ovarian cancer syndrome; BRCA1- and BRCA2-Associated Hereditary Breast and Ovarian Cancer; Hereditary breast and ovarian cancer syndrome; Hereditary breast and ovarian cancer syndrome (HBOC); Hereditary breast and ovarian cancer. Identifiers: Orphanet 145, MedGen C0677776, MeSH D061325, MONDO:0003582. Disease mechanism: loss of function.
Breast-ovarian cancer, familial, susceptibility to, 1 (BROVCA1). Also called: BRCA1 Hereditary Breast and Ovarian Cancer; OVARIAN CANCER, SUSCEPTIBILITY TO. Identifiers: Orphanet 145, MedGen C2676676, MONDO:0011450, OMIM 604370. Disease mechanism: loss of function.
Familial cancer of breast. Also called: BREAST CANCER, FAMILIAL; Hereditary breast cancer; hereditary breast carcinoma. Identifiers: Orphanet 227535, MedGen C0346153, MONDO:0016419, OMIM 114480. Disease mechanism: loss of function.
Fanconi anemia, complementation group S (FANCS). Identifiers: MedGen C4554406, MONDO:0054748, OMIM 617883.
Hereditary cancer-predisposing syndrome. Also called: Tumor predisposition; Hereditary Cancer Syndrome; Hereditary neoplastic syndrome; Neoplastic Syndromes, Hereditary. Identifiers: Orphanet 140162, MedGen C0027672, MeSH D009386, MONDO:0015356.

gnomAD v4.1: 1 of 1,605,432 alleles (0.000062%); highest among the groups gnomAD compares: Non-Finnish European, 0.000085%; no homozygotes.

Submissions (6):

Labcorp Genetics (formerly Invitae), Labcorp
Classification: Uncertain significance for Hereditary breast ovarian cancer syndrome. Last evaluated: 2024-01-10. Review status: criteria provided, single submitter. Criteria: Invitae Variant Classification Sherloc (09022015). Collection method: clinical testing. Allele origin: germline.
Comment: This sequence change falls in intron 6 of the BRCA1 gene. It does not directly change the encoded amino acid sequence of the BRCA1 protein. It affects a nucleotide within the consensus splice site. This variant is not present in population databases (gnomAD no frequency). This variant has been observed in individual(s) with breast cancer (PMID: 29310832). ClinVar contains an entry for this variant (Variation ID: 485396). Variants that disrupt the consensus splice site are a relatively common cause of aberrant splicing (PMID: 17576681, 9536098). Algorithms developed to predict the effect of sequence changes on RNA splicing suggest that this variant may disrupt the consensus splice site. In summary, the available evidence is currently insufficient to determine the role of this variant in disease. Therefore, it has been classified as a Variant of Uncertain Significance.

Ambry Genetics
Classification: Uncertain significance for Hereditary cancer-predisposing syndrome. Last evaluated: 2023-10-24. Review status: criteria provided, single submitter. Criteria: Ambry Variant Classification Scheme 2023. Collection method: clinical testing. Allele origin: germline.
Comment: The c.442-3T>G intronic variant results from a T to G substitution 3 nucleotides upstream from coding exon 6 in the BRCA1 gene. This nucleotide position is highly conserved in available vertebrate species. In silico splice site analysis predicts that this alteration will weaken the native splice acceptor site. Canonical splice site variants are typically considered deleterious, however, alterations at this particular splice acceptor site result in a transcript with a predicted in-frame loss of a single amino acid at the beginning of coding exon 6 (Ambry internal data; Houdayer C et al. Hum. Mutat., 2012 Aug;33:1228-38). This single amino acid loss is a naturally occurring isoform and may be referred to as &Delta;8p in some literature (Colombo M et al. Hum Mol Genet. 2014; 23:3666-80). The functional and clinical significance of this single amino acid loss is unknown. Since supporting evidence is limited at this time, the clinical significance of this alteration remains unclear.

Department of Pathology and Laboratory Medicine, Sinai Health System
Classification: Uncertain significance for Familial cancer of breast; Breast-ovarian cancer, familial, susceptibility to, 1; Fanconi anemia, complementation group S. Last evaluated: 2023-04-03. Review status: criteria provided, single submitter. Criteria: ACMG Guidelines, 2015. Collection method: clinical testing. Allele origin: germline. Affected: yes.

All of Us Research Program, National Institutes of Health
Classification: Uncertain significance for Breast-ovarian cancer, familial, susceptibility to, 1. Last evaluated: 2023-02-24. Review status: criteria provided, single submitter. Criteria: ACMG Guidelines, 2015. Collection method: clinical testing. Allele origin: germline. Inheritance: Autosomal dominant inheritance. Observed: 1 variant allele, 1 heterozygote.
Comment: This variant causes a T to G nucleotide substitution at the -3 position of intron 6 of the BRCA1 gene. An RNA study has reported that this variant increases the use of a cryptic splice site in exon 7, resulting in an in-frame deletion r.442_444del (p.Gly148del) in carrier cellular RNA (PMID: 22505045). To our knowledge, functional studies have not been reported for this variant. This variant has been reported in an individual affected with early-onset breast cancer (PMID: 29310832). This variant has not been identified in the general population by the Genome Aggregation Database (gnomAD). The available evidence is insufficient to determine the role of this variant in disease conclusively. Therefore, this variant is classified as a Variant of Uncertain Significance.

This study involves interpretation of variants in research participants for the purpose of population health screening. Participant phenotype was not available at the time of variant classification. Additional details can be found in publication PMID: 35346344, PMCID: PMC8962531

Color Diagnostics, LLC DBA Color Health
Classification: Uncertain significance for Hereditary cancer-predisposing syndrome. Last evaluated: 2022-12-08. Review status: criteria provided, single submitter. Criteria: ACMG Guidelines, 2015. Collection method: clinical testing. Allele origin: germline.
Comment: This variant causes a T to G nucleotide substitution at the -3 position of intron 6 of the BRCA1 gene. An RNA study has reported that this variant increases the use of a cryptic splice site in exon 7, resulting in an in-frame deletion r.442_444del (p.Gly148del) in carrier cellular RNA (PMID: 22505045). To our knowledge, functional studies have not been reported for this variant. This variant has been reported in an individual affected with early-onset breast cancer (PMID: 29310832). This variant has not been identified in the general population by the Genome Aggregation Database (gnomAD). The available evidence is insufficient to determine the role of this variant in disease conclusively. Therefore, this variant is classified as a Variant of Uncertain Significance.

Quest Diagnostics Nichols Institute San Juan Capistrano
Classification: Uncertain significance. Last evaluated: 2020-04-16. Review status: criteria provided, single submitter. Criteria: Quest Diagnostics criteria. Collection method: clinical testing. Allele origin: unknown.

Literature cited by the submitters: PubMed 29310832 (cited by 6 submitters); PubMed 17576681 (cited by Labcorp Genetics (formerly Invitae), Labcorp); PubMed 9536098 (cited by Labcorp Genetics (formerly Invitae), Labcorp); PubMed 22505045 (cited by 5 submitters).